The following is an entry in ClinVar:

NM_030665.4(RAI1):c.3693G>A (p.Pro1231=)

Gene: RAI1 (retinoic acid induced 1; plus strand). Cytogenetic location: 17p11.2.
Variant type: single nucleotide variant.
Coding change: c.3693G>A on transcript NM_030665.4 (MANE Select); coding-DNA position 3693, G replaced by A.
Protein change: p.Pro1231=; no amino-acid change (proline 1231 retained).
Molecular consequence: synonymous variant.
Genome position (GRCh38, 1-based): chr17:17,796,641, G>A. VCF-style: chr17-17796641-G-A. GRCh37 (hg19) VCF-style: chr17-17699955-G-A.
Identifiers: ClinVar variation 1672648 (VCV001672648.35), dbSNP rs753643062, ClinGen allele CA8418789.

ClinVar aggregate classification (germline): Benign/Likely benign. Review status: criteria provided, multiple submitters, no conflicts (2 of 4 stars). 4 submissions from 4 submitters: Benign (1); Likely benign (2). 1 of the submissions does not count toward it. Last evaluated 2025-12-05.

Conditions:
RAI1-related disorder. Also called: RAI1-related condition.
Inborn genetic diseases. Identifiers: MedGen C0950123, MeSH D030342.

Allele frequency attached by ClinVar (database versions not stated): ExAC 0.00001; gnomAD exomes 0.00001; gnomAD 0.00003; TOPMed 0.00003.
gnomAD v4.1: 18 of 1,611,896 alleles (0.0011%); highest among the groups gnomAD compares: African/African-American, 0.0067%; no homozygotes.

Submissions (4):

Labcorp Genetics (formerly Invitae), Labcorp
Classification: Benign. Last evaluated: 2025-12-05. Review status: criteria provided, single submitter. Criteria: Invitae Variant Classification Sherloc (09022015). Collection method: clinical testing. Allele origin: germline.

CeGaT Center for Human Genetics Tuebingen
Classification: Likely benign. Last evaluated: 2023-04-01. Review status: criteria provided, single submitter. Criteria: CeGaT Center For Human Genetics Tuebingen Variant Classification Criteria Version 2. Collection method: clinical testing. Allele origin: germline. Affected: yes. Observed: 1 variant allele.
Comment: RAI1: BP4, BP7

Ambry Genetics
Classification: Likely benign for Inborn genetic diseases. Last evaluated: 2017-12-18. Review status: criteria provided, single submitter. Criteria: Ambry Variant Classification Scheme 2023. Collection method: clinical testing. Allele origin: germline.

PreventionGenetics, part of Exact Sciences
Classification: Likely benign for RAI1-related condition. Last evaluated: 2023-03-14. Review status: no assertion criteria provided. Collection method: clinical testing. Allele origin: germline. Not counted in ClinVar's aggregate classification.
Comment: This variant is classified as likely benign based on ACMG/AMP sequence variant interpretation guidelines (Richards et al. 2015 PMID: 25741868, with internal and published modifications).